The following is an entry in ClinVar:

ClinVar aggregate classification (germline): Uncertain significance. Review status: criteria provided, multiple submitters, no conflicts (2 of 4 stars). 2 submissions from 2 submitters: Uncertain significance (2). Last evaluated 2023-03-14.

Allele frequency attached by ClinVar (database versions not stated): ExAC 0.00003; gnomAD exomes 0.00003; ESP Exome Variant Server 0.00023; gnomAD 0.00024 and 0.00029; TOPMed 0.00026.
gnomAD v4.1: 67 of 1,613,986 alleles (0.0042%); highest among the groups gnomAD compares: African/African-American, 0.081%; 1 homozygote.

Submissions (2):

Ambry Genetics
Classification: Uncertain significance. Last evaluated: 2023-03-14. Review status: criteria provided, single submitter. Criteria: Ambry Variant Classification Scheme 2023. Collection method: clinical testing. Allele origin: germline.

Labcorp Genetics (formerly Invitae), Labcorp
Classification: Uncertain significance. Last evaluated: 2022-08-22. Review status: criteria provided, single submitter. Criteria: Invitae Variant Classification Sherloc (09022015). Collection method: clinical testing. Allele origin: germline.
Comment: In summary, the available evidence is currently insufficient to determine the role of this variant in disease. Therefore, it has been classified as a Variant of Uncertain Significance. Algorithms developed to predict the effect of missense changes on protein structure and function are either unavailable or do not agree on the potential impact of this missense change (SIFT: "Tolerated"; PolyPhen-2: "Probably Damaging"; Align-GVGD: "Class C0"). ClinVar contains an entry for this variant (Variation ID: 1363618). This variant has not been reported in the literature in individuals affected with SORL1-related conditions. This variant is present in population databases (rs151139180, gnomAD 0.04%). This sequence change replaces glutamine, which is neutral and polar, with glutamic acid, which is acidic and polar, at codon 554 of the SORL1 protein (p.Gln554Glu).

NM_003105.6(SORL1):c.1660C>G (p.Gln554Glu)

Gene: SORL1 (sortilin related receptor 1; plus strand). Cytogenetic location: 11q24.1.
Variant type: single nucleotide variant.
Coding change: c.1660C>G on transcript NM_003105.6 (MANE Select); coding-DNA position 1660, C replaced by G.
Protein change: p.Gln554Glu; replaces glutamine 554 with glutamic acid.
Molecular consequence: missense variant.
Genome position (GRCh38, 1-based): chr11:121,532,527, C>G. VCF-style: chr11-121532527-C-G. GRCh37 (hg19) VCF-style: chr11-121403236-C-G.
Other names: c.1660C>G (NM_003105.5); short protein forms Q554E.
Identifiers: ClinVar variation 1363618 (VCV001363618.7), dbSNP rs151139180, ClinGen allele CA6328700.